The following is an entry in ClinVar:

NM_001110556.2(FLNA):c.1170C>A (p.Gly390=)

Gene: FLNA (filamin A; minus strand). Cytogenetic location: Xq28.
Variant type: single nucleotide variant.
Coding change: c.1170C>A on transcript NM_001110556.2 (MANE Select); coding-DNA position 1170, C replaced by A.
Protein change: p.Gly390=; no amino-acid change (glycine 390 retained).
Molecular consequence: synonymous variant.
Genome position (GRCh38, 1-based): chrX:154,366,366, G>T on the plus strand (C>A on the coding strand, the complement: FLNA is on the minus strand). VCF-style: chrX-154366366-G-T. GRCh37 (hg19) VCF-style: chrX-153594734-G-T.
Other names: p.Gly390=; c.1170C>A, p.Gly390= (NM_001456.4).
Identifiers: ClinVar variation 797060 (VCV000797060.12), dbSNP rs1603362865, ClinGen allele CA519709825.

ClinVar aggregate classification (germline): Likely benign. Review status: criteria provided, multiple submitters, no conflicts (2 of 4 stars). 2 submissions from 2 submitters: Likely benign (2). Last evaluated 2025-03-10.

Conditions:
Heterotopia, periventricular, X-linked dominant (PVNH1). Also called: PERIVENTRICULAR NODULAR HETEROTOPIA 1; X-linked periventricular heterotopia; PERIVENTRICULAR NODULAR HETEROTOPIA 4; HETEROTOPIA, PERIVENTRICULAR, 1. Identifiers: Orphanet 2149, Orphanet 82004, MedGen C1848213, MONDO:0010233, OMIM 300049.
Oto-palato-digital syndrome, type II (OPD2). Also called: OPD II SYNDROME; FACIOPALATOOSSEOUS SYNDROME; Otopalatodigital Syndrome Type 2 (FLNA-OPD2); Otopalatodigital Syndrome, Type II. Identifiers: Orphanet 669, Orphanet 90652, MedGen C1844696, MONDO:0010571, OMIM 304120.
Melnick-Needles syndrome (MNS). Also called: MELNICK-NEEDLES OSTEODYSPLASTY; OSTEODYSPLASTY OF MELNICK AND NEEDLES; Melnick-Needles Syndrome (FLNA-MNS). Identifiers: Orphanet 2484, MedGen C0025237, MONDO:0010650, OMIM 309350.
Frontometaphyseal dysplasia (FMD1). Identifiers: Orphanet 1826, MedGen C0265293, MONDO:0015942.

Allele frequency attached by ClinVar (database versions not stated): gnomAD 0.00001.
gnomAD v4.1: 1 of 1,210,975 alleles (0.000083%); highest among the groups gnomAD compares: Non-Finnish European, 0.00011%; no homozygotes.

Submissions (2):

Mayo Clinic Laboratories, Mayo Clinic
Classification: Likely benign. Last evaluated: 2025-03-10. Review status: criteria provided, single submitter. Criteria: ACMG Guidelines, 2015. Collection method: clinical testing. Allele origin: germline. Observed: 1 variant allele.
Comment: BP4, BP7, PM2_supporting

Labcorp Genetics (formerly Invitae), Labcorp
Classification: Likely benign for Oto-palato-digital syndrome, type II; Heterotopia, periventricular, X-linked dominant; Frontometaphyseal dysplasia; Melnick-Needles syndrome. Last evaluated: 2023-09-27. Review status: criteria provided, single submitter. Criteria: Invitae Variant Classification Sherloc (09022015). Collection method: clinical testing. Allele origin: germline.